The following is an entry in ClinVar:

ClinVar aggregate classification (germline): Conflicting classifications of pathogenicity. Review status: criteria provided, conflicting classifications (1 of 4 stars). 4 submissions from 4 submitters: Uncertain significance (3); Likely benign (1). Last evaluated 2025-03-27.

Conditions:
Hereditary breast ovarian cancer syndrome. Also called: Hereditary breast and ovarian cancer syndrome (HBOC); Hereditary breast and ovarian cancer syndrome; Breast and ovarian cancer; Hereditary breast and/or ovarian cancer syndrome; Hereditary breast and ovarian cancer; BRCA1- and BRCA2-Associated Hereditary Breast and Ovarian Cancer. Identifiers: Orphanet 145, MedGen C0677776, MeSH D061325, MONDO:0003582. Disease mechanism: loss of function.
Hereditary cancer-predisposing syndrome. Also called: Neoplastic Syndromes, Hereditary; Hereditary Cancer Syndrome; Hereditary neoplastic syndrome; Tumor predisposition. Identifiers: Orphanet 140162, MedGen C0027672, MeSH D009386, MONDO:0015356.

Submissions (4):

Color Diagnostics, LLC DBA Color Health
Classification: Uncertain significance for Hereditary cancer-predisposing syndrome. Last evaluated: 2025-03-27. Review status: criteria provided, single submitter. Criteria: ACMG Guidelines, 2015. Collection method: clinical testing. Allele origin: germline.
Comment: This missense variant replaces phenylalanine with valine at codon 1460 of the BRCA2 protein. Computational prediction suggests that this variant may not impact protein structure and function. To our knowledge, functional studies have not been reported for this variant. This variant has not been reported in individuals affected with BRCA2-related disorders in the literature. This variant has not been identified in the general population by the Genome Aggregation Database (gnomAD). The available evidence is insufficient to determine the role of this variant in disease conclusively. Therefore, this variant is classified as a Variant of Uncertain Significance.

Labcorp Genetics (formerly Invitae), Labcorp
Classification: Uncertain significance for Hereditary breast ovarian cancer syndrome. Last evaluated: 2024-05-01. Review status: criteria provided, single submitter. Criteria: Invitae Variant Classification Sherloc (09022015). Collection method: clinical testing. Allele origin: germline.
Comment: This sequence change replaces phenylalanine, which is neutral and non-polar, with valine, which is neutral and non-polar, at codon 1460 of the BRCA2 protein (p.Phe1460Val). This variant is not present in population databases (gnomAD no frequency). This variant has not been reported in the literature in individuals affected with BRCA2-related conditions. ClinVar contains an entry for this variant (Variation ID: 462336). Advanced modeling of protein sequence and biophysical properties (such as structural, functional, and spatial information, amino acid conservation, physicochemical variation, residue mobility, and thermodynamic stability) performed at Invitae indicates that this missense variant is not expected to disrupt BRCA2 protein function with a negative predictive value of 95%. In summary, the available evidence is currently insufficient to determine the role of this variant in disease. Therefore, it has been classified as a Variant of Uncertain Significance.

Ambry Genetics
Classification: Uncertain significance for Hereditary cancer-predisposing syndrome. Last evaluated: 2023-07-03. Review status: criteria provided, single submitter. Criteria: Ambry Variant Classification Scheme 2023. Collection method: clinical testing. Allele origin: germline.
Comment: The p.F1460V variant (also known as c.4378T>G), located in coding exon 10 of the BRCA2 gene, results from a T to G substitution at nucleotide position 4378. The phenylalanine at codon 1460 is replaced by valine, an amino acid with highly similar properties. This amino acid position is conserved. In addition, this alteration is predicted to be tolerated by in silico analysis. Since supporting evidence is limited at this time, the clinical significance of this alteration remains unclear.

University of Washington Department of Laboratory Medicine, University of Washington
Classification: Likely benign for Hereditary cancer-predisposing syndrome. Last evaluated: 2023-03-23. Review status: criteria provided, single submitter. Criteria: Dines et al. (Genet Med. 2020). Collection method: curation. Allele origin: germline.
Comment: Missense variant in a coldspot region where missense variants are very unlikely to be pathogenic (PMID:31911673).

BRCA2 exon 11 coldspot. Reclassification based on statistical prior probability.

NM_000059.4(BRCA2):c.4378T>G (p.Phe1460Val)

Gene: BRCA2 (BRCA2 DNA repair associated; plus strand). Cytogenetic location: 13q13.1.
Variant type: single nucleotide variant.
Coding change: c.4378T>G on transcript NM_000059.4 (MANE Select); coding-DNA position 4378, T replaced by G.
Protein change: p.Phe1460Val; replaces phenylalanine 1460 with valine.
Molecular consequence: missense variant.
Genome position (GRCh38, 1-based): chr13:32,338,733, T>G. VCF-style: chr13-32338733-T-G. GRCh37 (hg19) VCF-style: chr13-32912870-T-G.
Other names: short protein forms F1460V.
Identifiers: ClinVar variation 462336 (VCV000462336.16), dbSNP rs1555283754, ClinGen allele CA387781034.